The following is an entry in ClinVar:

NM_024041.4(SCNM1):c.593+3G>A

Genes: SCNM1 (sodium channel modifier 1; plus strand), TNFAIP8L2-SCNM1 (TNFAIP8L2-SCNM1 readthrough; plus strand). Cytogenetic location: 1q21.3.
Variant type: single nucleotide variant.
Coding change: c.593+3G>A on transcript NM_024041.4 (MANE Select); 3 bases into the intron after coding-DNA position 593, G replaced by A.
Molecular consequence: intron variant.
Genome position (GRCh38, 1-based): chr1:151,168,341, G>A. VCF-style: chr1-151168341-G-A. GRCh37 (hg19) VCF-style: chr1-151140817-G-A.
Other names: c.488+3G>A (NM_001204848.2, NM_001204856.2).
Identifiers: ClinVar variation 3770508 (VCV003770508.13).

ClinVar aggregate classification (germline): Likely benign (1 of 4 stars; one submission).

Submission:

CeGaT Center for Human Genetics Tuebingen
Classification: Likely benign. Last evaluated: 2026-08-01. Review status: criteria provided, single submitter. Criteria: CeGaT Center For Human Genetics Tuebingen Variant Classification Criteria Version 2. Collection method: clinical testing. Allele origin: germline. Affected: yes. Observed: 2 variant alleles.
Comment: TNFAIP8L2-SCNM1: BS2; SCNM1: BP4, BS2